The following is an entry in ClinVar:

NM_000719.7(CACNA1C):c.6355G>C (p.Ala2119Pro)

Genes: CACNA1C (calcium voltage-gated channel subunit alpha1 C; plus strand), CACNA1C-AS1 (CACNA1C antisense RNA 1; minus strand). Cytogenetic location: 12p13.33.
Variant type: single nucleotide variant.
Coding change: c.6355G>C on transcript NM_000719.7 (MANE Select); coding-DNA position 6355, G replaced by C.
Protein change: p.Ala2119Pro; replaces alanine 2119 with proline.
Molecular consequence: missense variant. On other transcripts: non-coding transcript variant (1).
Genome position (GRCh38, 1-based): chr12:2,691,137, G>C. VCF-style: chr12-2691137-G-C. GRCh37 (hg19) VCF-style: chr12-2800303-G-C.
Other names: c.6499G>C, p.Ala2167Pro (NM_001129827.2); c.6478G>C, p.Ala2160Pro (NM_001129829.2); c.6460G>C, p.Ala2154Pro (NM_001129830.3, NM_001167624.3); c.6439G>C, p.Ala2147Pro (NM_001129831.2); c.6415G>C, p.Ala2139Pro (NM_001129832.2); c.6412G>C, p.Ala2138Pro (NM_001129833.2, NM_001129834.2, NM_001129835.2); c.6406G>C, p.Ala2136Pro (NM_001129836.2); c.6379G>C, p.Ala2127Pro (NM_001129837.2, NM_001129838.2); and 6 more; short protein forms A2138P, A2154P, A2119P, A2127P, A2136P, A2167P, A2108P, A2116P.
Identifiers: ClinVar variation 4827237 (VCV004827237.1).

ClinVar aggregate classification (germline): Uncertain significance (1 of 4 stars; one submission).

Conditions:
Cardiovascular phenotype. Identifiers: MedGen CN230736.

Submission:

Ambry Genetics
Classification: Uncertain significance for Cardiovascular phenotype. Last evaluated: 2026-03-01. Review status: criteria provided, single submitter. Criteria: Ambry Variant Classification Scheme 2023. Collection method: clinical testing. Allele origin: germline.
Comment: The p.A2119P variant (also known as c.6355G>C), located in coding exon 47 of the CACNA1C gene, results from a G to C substitution at nucleotide position 6355. The alanine at codon 2119 is replaced by proline, an amino acid with highly similar properties. This amino acid position is conserved. In addition, this alteration is predicted to be tolerated by in silico analysis. Based on the available evidence, the clinical significance of this variant remains unclear.